The following is an entry in ClinVar:

NM_006941.4(SOX10):c.409del (p.Thr137fs)

Genes: POLR2F (RNA polymerase II, I and III subunit F; plus strand), SOX10 (SRY-box transcription factor 10; minus strand). Cytogenetic location: 22q13.1.
Variant type: Deletion.
Coding change: c.409del on transcript NM_006941.4 (MANE Select); coding-DNA position 409, one base deleted (A; older notation c.409delA).
Protein change: p.Thr137fs; shifts the reading frame from threonine 137.
Molecular consequence: frameshift variant. On other transcripts: intron variant (3).
Genome position (GRCh38, 1-based): chr22:37,983,376, T deleted on the plus strand (A on the coding strand, the reverse complement: SOX10 is on the minus strand). VCF-style (leftmost placement, unchanged base first): chr22-37983375-GT-G. GRCh37 (hg19) VCF-style: chr22-38379382-GT-G.
Other names: c.*38+11066del (NM_001363825.1); c.294-2778del (NM_001301130.2); c.293+16206del (NM_001301131.2); short protein forms T137fs.
Identifiers: ClinVar variation 3601831 (VCV003601831.1).

ClinVar aggregate classification (germline): Pathogenic (1 of 4 stars; one submission).

Conditions:
Waardenburg syndrome type 4C (WS4C). Also called: WAARDENBURG SYNDROME WITH HIRSCHSPRUNG DISEASE, TYPE 4C. Identifiers: Orphanet 897, MedGen C2750452, MONDO:0013202, OMIM 613266.

Submission:

Institute of Rare Diseases, West China Hospital, Sichuan University
Classification: Pathogenic for Waardenburg syndrome type 4C. Last evaluated: 2025-01-09. Review status: criteria provided, single submitter. Criteria: ClinGen HL ACMG Specifications v1. Collection method: research. Allele origin: germline. Affected: yes.
Comment: PM1;PVS1;PS2;PP4;PM2_Supporting